The following is an entry in ClinVar:

ClinVar aggregate classification (germline): Pathogenic. Review status: criteria provided, multiple submitters, no conflicts (2 of 4 stars). 2 submissions from 2 submitters: Pathogenic (2). Last evaluated 2024-08-15.

Conditions:
Duchenne muscular dystrophy (DMD). Also called: Duchenne Muscular Dystrophy (DMD); MUSCULAR DYSTROPHY, PSEUDOHYPERTROPHIC PROGRESSIVE, DUCHENNE TYPE. Identifiers: Orphanet 98896, MedGen C0013264, MONDO:0010679, OMIM 310200.

Submissions (2):

3billion
Classification: Pathogenic for Duchenne muscular dystrophy. Last evaluated: 2024-08-15. Review status: criteria provided, single submitter. Criteria: ACMG Guidelines, 2015. Collection method: clinical testing. Allele origin: germline. Affected: yes.
Comment: The variant is not observed in the gnomAD v4.0.0 dataset. Predicted Consequence/Location: Stop-gained (nonsense): predicted to result in a loss or disruption of normal protein function through nonsense-mediated decay (NMD) or protein truncation. Multiple pathogenic variants are reported downstream of the variant. The variant has been reported to be associated with DMD related disorder (ClinVar ID: VCV000803886 /PMID: 20485447). Therefore, this variant is classified as Pathogenic according to the recommendation of ACMG/AMP guideline.

Mendelics
Classification: Pathogenic for Duchenne muscular dystrophy. Last evaluated: 2019-05-28. Review status: criteria provided, single submitter. Criteria: Mendelics Assertion Criteria 2017. Collection method: clinical testing. Allele origin: unknown.

Literature cited by the submitters: PubMed 20485447 (cited by 3billion).

NM_004006.3(DMD):c.3795G>A (p.Trp1265Ter)

Gene: DMD (dystrophin; minus strand). Cytogenetic location: Xp21.1.
Variant type: single nucleotide variant.
Coding change: c.3795G>A on transcript NM_004006.3 (MANE Select); coding-DNA position 3795, G replaced by A.
Protein change: p.Trp1265Ter; replaces tryptophan 1265 with a stop codon.
Molecular consequence: nonsense.
Genome position (GRCh38, 1-based): chrX:32,441,306, C>T on the plus strand (G>A on the coding strand, the complement: DMD is on the minus strand). VCF-style: chrX-32441306-C-T. GRCh37 (hg19) VCF-style: chrX-32459423-C-T.
Other names: c.3771G>A, p.Trp1257Ter (NM_000109.4); c.3783G>A, p.Trp1261Ter (NM_004009.3); c.3426G>A, p.Trp1142Ter (NM_004010.3); short protein forms W1265*, W1142*, W1261*, W1257*.
Identifiers: ClinVar variation 803886 (VCV000803886.3), dbSNP rs1603633545, ClinGen allele CA412670604.